The following is an entry in ClinVar:

ClinVar aggregate classification (germline): Pathogenic/Likely pathogenic. Review status: criteria provided, multiple submitters, no conflicts (2 of 4 stars). 2 submissions from 2 submitters: Pathogenic (1); Likely pathogenic (1). Last evaluated 2023-01-14.

Conditions:
Familial adenomatous polyposis 2. Also called: FAP type 2; MUTYH Polyposis; MUTYH-related attenuated familial adenomatous polyposis; COLORECTAL ADENOMATOUS POLYPOSIS, AUTOSOMAL RECESSIVE; ADENOMAS, MULTIPLE COLORECTAL, AUTOSOMAL RECESSIVE; Adenomas, multiple colorectal. Identifiers: Orphanet 220460, Orphanet 247798, MedGen C3272841, MONDO:0012041, OMIM 608456.

Submissions (2):

Labcorp Genetics (formerly Invitae), Labcorp
Classification: Pathogenic for Familial adenomatous polyposis 2. Last evaluated: 2023-01-14. Review status: criteria provided, single submitter. Criteria: Invitae Variant Classification Sherloc (09022015). Collection method: clinical testing. Allele origin: germline.
Comment: ClinVar contains an entry for this variant (Variation ID: 238345). This variant has not been reported in the literature in individuals affected with MUTYH-related conditions. This variant is not present in population databases (gnomAD no frequency). This sequence change creates a premature translational stop signal (p.Pro112Thrfs*9) in the MUTYH gene. It is expected to result in an absent or disrupted protein product. Loss-of-function variants in MUTYH are known to be pathogenic (PMID: 18534194, 20663686). For these reasons, this variant has been classified as Pathogenic.

Baylor Genetics
Classification: Likely pathogenic for Familial adenomatous polyposis 2. Last evaluated: 2022-07-22. Review status: criteria provided, single submitter. Criteria: ACMG Guidelines, 2015. Collection method: clinical testing. Allele origin: unknown.

Literature cited by the submitters: PubMed 18534194 (cited by Labcorp Genetics (formerly Invitae), Labcorp); PubMed 20663686 (cited by Labcorp Genetics (formerly Invitae), Labcorp).

NM_001048174.2(MUTYH):c.249dup (p.Pro84fs)

Gene: MUTYH (mutY DNA glycosylase; minus strand). Cytogenetic location: 1p34.1.
Variant type: Duplication.
Coding change: c.249dup on transcript NM_001048174.2 (MANE Select); coding-DNA position 249, one base duplicated (A; older notation c.249dupA).
Protein change: p.Pro84fs; shifts the reading frame from proline 84.
Molecular consequence: frameshift variant. On other transcripts: 5 prime UTR variant (4), non-coding transcript variant (2).
Genome position (GRCh38, 1-based): chr1:45,333,428, T duplicated on the plus strand (A on the coding strand, the reverse complement: MUTYH is on the minus strand). VCF-style (leftmost placement, unchanged base first): chr1-45333427-G-GT. GRCh37 (hg19) VCF-style: chr1-45799099-G-GT.
Other names: c.249dup, p.Pro84fs (NM_001048171.2, NM_001048173.2, NM_001293195.2); c.252dup, p.Pro85fs (NM_001048172.2); c.333dup, p.Pro112fs (NM_001128425.2); c.294dup, p.Pro99fs (NM_001293190.2); c.282dup, p.Pro95fs (NM_001293191.2); c.-28dup (NM_001293192.2, NM_001293196.2); c.-23dup (NM_001350650.2, NM_001350651.2); c.324dup, p.Pro109fs (NM_012222.3); and 1 more; short protein forms P112fs, P84fs, P99fs, P85fs, P95fs, P109fs.
Identifiers: ClinVar variation 238345 (VCV000238345.9), dbSNP rs878854189, ClinGen allele CA10581812.